The following is an entry in ClinVar:

NM_199355.4(ADAMTS18):c.549G>C (p.Gln183His)

Gene: ADAMTS18 (ADAM metallopeptidase with thrombospondin type 1 motif 18; minus strand). Cytogenetic location: 16q23.1.
Variant type: single nucleotide variant.
Coding change: c.549G>C on transcript NM_199355.4 (MANE Select); coding-DNA position 549, G replaced by C.
Protein change: p.Gln183His; replaces glutamine 183 with histidine.
Molecular consequence: missense variant.
Genome position (GRCh38, 1-based): chr16:77,367,670, C>G on the plus strand (G>C on the coding strand, the complement: ADAMTS18 is on the minus strand). VCF-style: chr16-77367670-C-G. GRCh37 (hg19) VCF-style: chr16-77401567-C-G.
Other names: c.29G>C, p.Ser10Thr (NM_001326358.2); short protein forms Q183H, S10T.
Identifiers: ClinVar variation 1412785 (VCV001412785.6), dbSNP rs767266061, ClinGen allele CA396825919.
Genomic context (GRCh38, chr16:77,367,670, plus strand): 5'-GTACAGTACGTGAGGATGGTGACCCGCAGGGGAGCTGTAGTTGTGTTCCTGGGCCAGAAG[C>G]TGAGGTAATGGCGAGATGAGGAATTCATTTTTTCGTGTCCTTATTAAACCTGACTAAAAA-3'
Protein context (NP_955387.1, residues 173-193): KNEFLISPLP[Gln183His]LLAQEHNYSS

ClinVar aggregate classification (germline): Uncertain significance (1 of 4 stars; one submission).

Submission:

Labcorp Genetics (formerly Invitae), Labcorp
Classification: Uncertain significance. Last evaluated: 2022-10-25. Review status: criteria provided, single submitter. Criteria: Invitae Variant Classification Sherloc (09022015). Collection method: clinical testing. Allele origin: germline.
Comment: In summary, the available evidence is currently insufficient to determine the role of this variant in disease. Therefore, it has been classified as a Variant of Uncertain Significance. Algorithms developed to predict the effect of sequence changes on RNA splicing suggest that this variant may disrupt the consensus splice site. Algorithms developed to predict the effect of missense changes on protein structure and function are either unavailable or do not agree on the potential impact of this missense change (SIFT: "Not Available"; PolyPhen-2: "Benign"; Align-GVGD: "Not Available"). ClinVar contains an entry for this variant (Variation ID: 1412785). This variant has not been reported in the literature in individuals affected with ADAMTS18-related conditions. This variant is not present in population databases (gnomAD no frequency). This sequence change replaces glutamine, which is neutral and polar, with histidine, which is basic and polar, at codon 183 of the ADAMTS18 protein (p.Gln183His).